The following is an entry in ClinVar:

NM_000051.4(ATM):c.7182A>T (p.Ser2394=)

Genes: ATM (ATM serine/threonine kinase; plus strand), C11orf65 (chromosome 11 open reading frame 65; minus strand). Cytogenetic location: 11q22.3.
Variant type: single nucleotide variant.
Coding change: c.7182A>T on transcript NM_000051.4 (MANE Select); coding-DNA position 7182, A replaced by T.
Protein change: p.Ser2394=; no amino-acid change (serine 2394 retained).
Molecular consequence: synonymous variant. On other transcripts: intron variant (2).
Genome position (GRCh38, 1-based): chr11:108,329,113, A>T. VCF-style: chr11-108329113-A-T. GRCh37 (hg19) VCF-style: chr11-108199840-A-T.
Other names: c.7182A>T, p.Ser2394= (NM_001351834.2); c.641-20042T>A (NM_001330368.2); c.*38+6107T>A (NM_001351110.2).
Identifiers: ClinVar variation 1153336 (VCV001153336.13), dbSNP rs976994998, ClinGen allele CA476676714.

ClinVar aggregate classification (germline): Benign/Likely benign. Review status: criteria provided, multiple submitters, no conflicts (2 of 4 stars). 4 submissions from 4 submitters: Benign (1); Likely benign (3). Last evaluated 2025-07-19.

Conditions:
Familial cancer of breast. Also called: Hereditary breast cancer; hereditary breast carcinoma; BREAST CANCER, FAMILIAL. Identifiers: Orphanet 227535, MedGen C0346153, MONDO:0016419, OMIM 114480. Disease mechanism: loss of function.
Hereditary cancer-predisposing syndrome. Also called: Neoplastic Syndromes, Hereditary; Tumor predisposition; Hereditary Cancer Syndrome; Hereditary neoplastic syndrome. Identifiers: Orphanet 140162, MedGen C0027672, MeSH D009386, MONDO:0015356.
Ataxia-telangiectasia syndrome (AT). Also called: Ataxia telangiectasia (A-T); ATAXIA-TELANGIECTASIA, COMPLEMENTATION GROUP A; ATAXIA-TELANGIECTASIA, FRESNO VARIANT; Ataxia-telangiectasia; Ataxia-telangiectasia, complementation group E; LOUIS-BAR SYNDROME. Identifiers: Orphanet 100, MedGen C0004135, MONDO:0008840, OMIM 208900.

Submissions (4):

Ambry Genetics
Classification: Likely benign for Hereditary cancer-predisposing syndrome. Last evaluated: 2025-07-19. Review status: criteria provided, single submitter. Criteria: Ambry Variant Classification Scheme 2023. Collection method: clinical testing. Allele origin: germline.

Myriad Genetics, Inc.
Classification: Benign for Familial cancer of breast. Last evaluated: 2024-06-13. Review status: criteria provided, single submitter. Criteria: Myriad Autosomal Dominant, Autosomal Recessive and X-Linked Classification Criteria (2023). Collection method: clinical testing. Allele origin: unknown.
Comment: This variant is considered benign. This variant is a silent/synonymous amino acid change and it is not expected to impact splicing.

Labcorp Genetics (formerly Invitae), Labcorp
Classification: Likely benign for Ataxia-telangiectasia syndrome. Last evaluated: 2023-02-17. Review status: criteria provided, single submitter. Criteria: Invitae Variant Classification Sherloc (09022015). Collection method: clinical testing. Allele origin: germline.

Color Diagnostics, LLC DBA Color Health
Classification: Likely benign for Hereditary cancer-predisposing syndrome. Last evaluated: 2020-10-27. Review status: criteria provided, single submitter. Criteria: ACMG Guidelines, 2015. Collection method: clinical testing. Allele origin: germline.